The following is an entry in ClinVar:

ClinVar aggregate classification (germline): Conflicting classifications of pathogenicity. Review status: criteria provided, conflicting classifications (1 of 4 stars). 4 submissions from 4 submitters: Uncertain significance (3); Likely benign (1). Last evaluated 2024-09-20.

Conditions:
Finnish congenital nephrotic syndrome (NPHS1). Also called: NEPHROTIC SYNDROME, TYPE 1. Identifiers: Orphanet 839, MedGen C0403399, MONDO:0009732, OMIM 256300.
Focal segmental glomerulosclerosis (FSGS). Also called: Glomerulosclerosis, focal; Focal sclerosis with hyalinosis. Identifiers: MedGen C0017668, MONDO:0100313, HP:0000097. Disease mechanism: loss of function.
Nephrotic syndrome. Identifiers: MedGen C0027726, MONDO:0005377, HP:0000100.

Allele frequency attached by ClinVar (database versions not stated): ExAC 0.00003; ESP Exome Variant Server 0.00023; gnomAD exomes 0.00001; gnomAD 0.00005; TOPMed 0.00009.
gnomAD v4.1: 27 of 1,613,206 alleles (0.0017%); highest among the groups gnomAD compares: Middle Eastern, 0.066%; no homozygotes.

Submissions (4):

3billion
Classification: Likely benign for Finnish congenital nephrotic syndrome. Last evaluated: 2024-09-20. Review status: criteria provided, single submitter. Criteria: ACMG Guidelines, 2015. Collection method: clinical testing. Allele origin: germline. Affected: no.
Comment: The homozygous variant was found in patients diagnosed with another variant in a different gene, with no symptoms related to the gene containing the homozygous variant.

Molecular Genetics McLendon Clinical Laboratories, University of North Carolina at Chapel Hill
Classification: Uncertain significance for Nephrotic syndrome. Last evaluated: 2023-02-01. Review status: criteria provided, single submitter. Criteria: ACMG Guidelines, 2015. Collection method: clinical testing. Allele origin: germline.

Labcorp Genetics (formerly Invitae), Labcorp
Classification: Uncertain significance. Last evaluated: 2022-08-10. Review status: criteria provided, single submitter. Criteria: Invitae Variant Classification Sherloc (09022015). Collection method: clinical testing. Allele origin: germline.
Comment: This sequence change replaces lysine, which is basic and polar, with threonine, which is neutral and polar, at codon 848 of the NPHS1 protein (p.Lys848Thr). This variant is present in population databases (rs148115230, gnomAD 0.01%). This variant has not been reported in the literature in individuals affected with NPHS1-related conditions. Advanced modeling of protein sequence and biophysical properties (such as structural, functional, and spatial information, amino acid conservation, physicochemical variation, residue mobility, and thermodynamic stability) performed at Invitae indicates that this missense variant is expected to disrupt NPHS1 protein function. In summary, the available evidence is currently insufficient to determine the role of this variant in disease. Therefore, it has been classified as a Variant of Uncertain Significance.

Genome Diagnostics Laboratory, The Hospital for Sick Children
Classification: Uncertain significance for Focal segmental glomerulosclerosis. Last evaluated: 2021-03-22. Review status: criteria provided, single submitter. Criteria: ACMG Guidelines, 2015. Collection method: clinical testing. Allele origin: germline.

NM_004646.4(NPHS1):c.2543A>C (p.Lys848Thr)

Gene: NPHS1 (NPHS1 adhesion molecule, nephrin; minus strand). Cytogenetic location: 19q13.12.
Variant type: single nucleotide variant.
Coding change: c.2543A>C on transcript NM_004646.4 (MANE Select); coding-DNA position 2543, A replaced by C.
Protein change: p.Lys848Thr; replaces lysine 848 with threonine.
Molecular consequence: missense variant.
Genome position (GRCh38, 1-based): chr19:35,842,244, T>G on the plus strand (A>C on the coding strand, the complement: NPHS1 is on the minus strand). VCF-style: chr19-35842244-T-G. GRCh37 (hg19) VCF-style: chr19-36333146-T-G.
Other names: short protein forms K848T.
Identifiers: ClinVar variation 1712391 (VCV001712391.6), dbSNP rs148115230, ClinGen allele CA9390089.